The following is an entry in ClinVar:

NM_199355.4(ADAMTS18):c.133G>A (p.Ala45Thr)

Gene: ADAMTS18 (ADAM metallopeptidase with thrombospondin type 1 motif 18; minus strand). Cytogenetic location: 16q23.1.
Variant type: single nucleotide variant.
Coding change: c.133G>A on transcript NM_199355.4 (MANE Select); coding-DNA position 133, G replaced by A.
Protein change: p.Ala45Thr; replaces alanine 45 with threonine.
Molecular consequence: missense variant. On other transcripts: 5 prime UTR variant (1).
Genome position (GRCh38, 1-based): chr16:77,434,463, C>T on the plus strand (G>A on the coding strand, the complement: ADAMTS18 is on the minus strand). VCF-style: chr16-77434463-C-T. GRCh37 (hg19) VCF-style: chr16-77468360-C-T.
Other names: c.-388G>A (NM_001326358.2); short protein forms A45T.
Identifiers: ClinVar variation 861701 (VCV000861701.6), dbSNP rs199523966, ClinGen allele CA8181782.

ClinVar aggregate classification (germline): Uncertain significance (1 of 4 stars; one submission).

Allele frequency attached by ClinVar (database versions not stated): TOPMed 0.00006; gnomAD exomes 0.00008 and 0.00009; ESP Exome Variant Server 0.00016; ExAC 0.00017.
gnomAD v4.1: 137 of 1,571,164 alleles (0.0087%); highest among the groups gnomAD compares: Non-Finnish European, 0.011%; no homozygotes.

Submission:

Labcorp Genetics (formerly Invitae), Labcorp
Classification: Uncertain significance. Last evaluated: 2024-10-25. Review status: criteria provided, single submitter. Criteria: Invitae Variant Classification Sherloc (09022015). Collection method: clinical testing. Allele origin: germline.
Comment: This sequence change replaces alanine, which is neutral and non-polar, with threonine, which is neutral and polar, at codon 45 of the ADAMTS18 protein (p.Ala45Thr). The frequency data for this variant in the population databases is considered unreliable, as metrics indicate poor data quality at this position in the gnomAD database. This variant has not been reported in the literature in individuals affected with ADAMTS18-related conditions. ClinVar contains an entry for this variant (Variation ID: 861701). An algorithm developed to predict the effect of missense changes on protein structure and function (PolyPhen-2) suggests that this variant is likely to be disruptive. In summary, the available evidence is currently insufficient to determine the role of this variant in disease. Therefore, it has been classified as a Variant of Uncertain Significance.